The following is an entry in ClinVar:

ClinVar aggregate classification (germline): Uncertain significance. Review status: criteria provided, multiple submitters, no conflicts (2 of 4 stars). 2 submissions from 2 submitters: Uncertain significance (2). Last evaluated 2025-10-09.

Conditions:
Hereditary sensory and autonomic neuropathy type 1 (HSAN1). Also called: HSAN 1; HSN Type I; Hereditary Sensory Neuropathy Type I. Identifiers: Orphanet 36386, MedGen C0020071, MONDO:0018213.

Allele frequency attached by ClinVar (database versions not stated): gnomAD exomes 0.00001; TOPMed below 0.00001; gnomAD 0.00001; ExAC 0.00002.
gnomAD v4.1: 19 of 1,613,760 alleles (0.0012%); highest among the groups gnomAD compares: Admixed American, 0.0017%; no homozygotes.

Submissions (2):

Women's Health and Genetics/Laboratory Corporation of America, LabCorp
Classification: Uncertain significance. Last evaluated: 2025-10-09. Review status: criteria provided, single submitter. Criteria: LabCorp Variant Classification Summary - May 2015. Collection method: clinical testing. Allele origin: germline.
Comment: Variant summary: SPTLC1 c.1255-3C>T alters a nucleotide located close to a canonical splice site and therefore could affect mRNA splicing, leading to a significantly altered protein sequence. Consensus agreement among computation tools predict no significant impact on normal splicing. However, these predictions have yet to be confirmed by functional studies. The variant allele was found at a frequency of 8e-06 in 251408 control chromosomes (gnomAD). The available data on variant occurrences in the general population are insufficient to allow any conclusion about variant significance. To our knowledge, no occurrence of c.1255-3C>T in individuals affected with SPTLC1-related conditions and no experimental evidence demonstrating its impact on protein function have been reported. ClinVar contains an entry for this variant (Variation ID: 1346565). Based on the evidence outlined above, the variant was classified as uncertain significance.

Labcorp Genetics (formerly Invitae), Labcorp
Classification: Uncertain significance for Hereditary sensory and autonomic neuropathy type 1. Last evaluated: 2021-11-29. Review status: criteria provided, single submitter. Criteria: Invitae Variant Classification Sherloc (09022015). Collection method: clinical testing. Allele origin: germline.
Comment: This sequence change falls in intron 13 of the SPTLC1 gene. It does not directly change the encoded amino acid sequence of the SPTLC1 protein. It affects a nucleotide within the consensus splice site. In summary, the available evidence is currently insufficient to determine the role of this variant in disease. Therefore, it has been classified as a Variant of Uncertain Significance. Variants that disrupt the consensus splice site are a relatively common cause of aberrant splicing (PMID: 17576681, 9536098). Algorithms developed to predict the effect of sequence changes on RNA splicing suggest that this variant is not likely to affect RNA splicing. This variant has not been reported in the literature in individuals affected with SPTLC1-related conditions. This variant is present in population databases (rs766223452, gnomAD 0.003%).

Literature cited by the submitters: PubMed 17576681 (cited by Labcorp Genetics (formerly Invitae), Labcorp); PubMed 9536098 (cited by Labcorp Genetics (formerly Invitae), Labcorp).

NM_006415.4(SPTLC1):c.1255-3C>T

Gene: SPTLC1 (serine palmitoyltransferase long chain base subunit 1; minus strand). Cytogenetic location: 9q22.31.
Variant type: single nucleotide variant.
Coding change: c.1255-3C>T on transcript NM_006415.4 (MANE Select); 3 bases into the intron before coding-DNA position 1255, C replaced by T.
Molecular consequence: intron variant.
Genome position (GRCh38, 1-based): chr9:92,034,886, G>A on the plus strand (C>T on the coding strand, the complement: SPTLC1 is on the minus strand). VCF-style: chr9-92034886-G-A. GRCh37 (hg19) VCF-style: chr9-94797168-G-A.
Other names: c.1255-3C>T (NM_001281303.2); c.889-3C>T (NM_001368272.1); c.790-3C>T (NM_001368273.1).
Identifiers: ClinVar variation 1346565 (VCV001346565.7), dbSNP rs766223452, ClinGen allele CA5121250.